The following is an entry in ClinVar:

NM_016604.4(KDM3B):c.3898G>A (p.Gly1300Arg)

Gene: KDM3B (lysine demethylase 3B; plus strand). Cytogenetic location: 5q31.2.
Variant type: single nucleotide variant.
Coding change: c.3898G>A on transcript NM_016604.4 (MANE Select); coding-DNA position 3898, G replaced by A.
Protein change: p.Gly1300Arg; replaces glycine 1300 with arginine.
Molecular consequence: missense variant.
Genome position (GRCh38, 1-based): chr5:138,420,888, G>A. VCF-style: chr5-138420888-G-A. GRCh37 (hg19) VCF-style: chr5-137756577-G-A.
Other names: c.3898G>A (NM_016604.3); short protein forms G1300R.
Identifiers: ClinVar variation 1360149 (VCV001360149.9), dbSNP rs1017692907, ClinGen allele CA128175812.

ClinVar aggregate classification (germline): Uncertain significance. Review status: criteria provided, multiple submitters, no conflicts (2 of 4 stars). 2 submissions from 2 submitters: Uncertain significance (2). Last evaluated 2025-02-26.

Conditions:
Inborn genetic diseases. Identifiers: MedGen C0950123, MeSH D030342.

Allele frequency attached by ClinVar (database versions not stated): gnomAD exomes below 0.00001; TOPMed 0.00003.
gnomAD v4.1: 5 of 1,614,026 alleles (0.00031%); highest among the groups gnomAD compares: African/African-American, 0.0013%; no homozygotes.

Submissions (2):

Ambry Genetics
Classification: Uncertain significance for Inborn genetic diseases. Last evaluated: 2025-02-26. Review status: criteria provided, single submitter. Criteria: Ambry Variant Classification Scheme 2023. Collection method: clinical testing. Allele origin: germline.

Labcorp Genetics (formerly Invitae), Labcorp
Classification: Uncertain significance. Last evaluated: 2020-12-29. Review status: criteria provided, single submitter. Criteria: Invitae Variant Classification Sherloc (09022015). Collection method: clinical testing. Allele origin: germline.
Comment: This sequence change replaces glycine with arginine at codon 1300 of the KDM3B protein (p.Gly1300Arg). The glycine residue is highly conserved and there is a moderate physicochemical difference between glycine and arginine. This variant is not present in population databases (ExAC no frequency). This variant has not been reported in the literature in individuals with KDM3B-related conditions. Algorithms developed to predict the effect of missense changes on protein structure and function are either unavailable or do not agree on the potential impact of this missense change (SIFT: "Deleterious"; PolyPhen-2: "Possibly Damaging"; Align-GVGD: "Class C0"). Algorithms developed to predict the effect of sequence changes on RNA splicing suggest that this variant may create or strengthen a splice site, but this prediction has not been confirmed by published transcriptional studies. In summary, the available evidence is currently insufficient to determine the role of this variant in disease. Therefore, it has been classified as a Variant of Uncertain Significance.